The following is an entry in ClinVar:

ClinVar aggregate classification (germline): Uncertain significance. Review status: criteria provided, multiple submitters, no conflicts (2 of 4 stars). 2 submissions from 2 submitters: Uncertain significance (2). Last evaluated 2024-09-01.

Conditions:
RASopathy. Also called: rasopathies; Noonan spectrum disorder. Identifiers: Orphanet 536391, MedGen C5555857, MONDO:0021060.

gnomAD v4.1: 1 of 1,614,204 alleles (0.000062%); highest among the groups gnomAD compares: Middle Eastern, 0.016%; no homozygotes.

Submissions (2):

Labcorp Genetics (formerly Invitae), Labcorp
Classification: Uncertain significance for RASopathy. Last evaluated: 2024-09-01. Review status: criteria provided, single submitter. Criteria: Invitae Variant Classification Sherloc (09022015). Collection method: clinical testing. Allele origin: germline.
Comment: This sequence change replaces leucine, which is neutral and non-polar, with valine, which is neutral and non-polar, at codon 620 of the CBL protein (p.Leu620Val). This variant is not present in population databases (gnomAD no frequency). This variant has not been reported in the literature in individuals affected with CBL-related conditions. ClinVar contains an entry for this variant (Variation ID: 2153881). Invitae Evidence Modeling of protein sequence and biophysical properties (such as structural, functional, and spatial information, amino acid conservation, physicochemical variation, residue mobility, and thermodynamic stability) indicates that this missense variant is not expected to disrupt CBL protein function with a negative predictive value of 95%. In summary, the available evidence is currently insufficient to determine the role of this variant in disease. Therefore, it has been classified as a Variant of Uncertain Significance.

Blueprint Genetics
Classification: Uncertain significance. Last evaluated: 2024-01-11. Review status: criteria provided, single submitter. Criteria: ACMG Guidelines, 2015. Collection method: clinical testing. Allele origin: germline.

NM_005188.4(CBL):c.1858C>G (p.Leu620Val)

Gene: CBL (Cbl proto-oncogene; plus strand). Cytogenetic location: 11q23.3.
Variant type: single nucleotide variant.
Coding change: c.1858C>G on transcript NM_005188.4 (MANE Select); coding-DNA position 1858, C replaced by G.
Protein change: p.Leu620Val; replaces leucine 620 with valine.
Molecular consequence: missense variant.
Genome position (GRCh38, 1-based): chr11:119,285,483, C>G. VCF-style: chr11-119285483-C-G. GRCh37 (hg19) VCF-style: chr11-119156193-C-G.
Other names: short protein forms L620V.
Identifiers: ClinVar variation 2153881 (VCV002153881.5), dbSNP rs2227988, ClinGen allele CA229642486.